The following is an entry in ClinVar:

ClinVar aggregate classification (germline): Uncertain significance (1 of 4 stars; one submission).

Conditions:
Pancreatic adenocarcinoma. Identifiers: MedGen C0281361, MONDO:0006047, HP:0006725.

Submission:

Labcorp Genetics (formerly Invitae), Labcorp
Classification: Uncertain significance for Pancreatic adenocarcinoma. Last evaluated: 2015-10-20. Review status: criteria provided, single submitter. Criteria: Invitae Variant Classification Sherloc (09022015). Collection method: clinical testing. Allele origin: germline.
Comment: In summary, this is a novel missense change with uncertain impact on protein function. It has been classified as a Variant of Uncertain Significance. Algorithms developed to predict the effect of missense changes on protein structure and function do not agree on the potential impact of this missense change (SIFT: "Deleterious"; PolyPhen-2: "Possibly Damaging"; Align-GVGD: "Class C15"). This variant is not present in population databases (ExAC no frequency) and has not been reported in the literature. This sequence change replaces serine with phenylalanine at codon 14 of the PALLD protein (p.Ser14Phe). The serine residue is weakly conserved and there is a large physicochemical difference between serine and phenylalanine.

NM_001166108.2(PALLD):c.1965-12990C>T

Gene: PALLD (palladin, cytoskeletal associated protein; plus strand). Cytogenetic location: 4q32.3.
Variant type: single nucleotide variant.
Coding change: c.1965-12990C>T on transcript NM_001166108.2 (MANE Select); 12990 bases into the intron before coding-DNA position 1965, C replaced by T.
Molecular consequence: intron variant. On other transcripts: missense variant (1).
Genome position (GRCh38, 1-based): chr4:168,877,932, C>T. VCF-style: chr4-168877932-C-T. GRCh37 (hg19) VCF-style: chr4-169799083-C-T.
Other names: c.41C>T, p.Ser14Phe (NM_001166110.2); c.1965-12990C>T (NM_016081.4); c.819-12990C>T (NM_001166109.2); c.-157-12990C>T (NM_001367570.1, NM_001367568.1, NM_001367567.1 and 1 more transcripts); short protein forms S14F.
Identifiers: ClinVar variation 220678 (VCV000220678.7), dbSNP rs864622627, ClinGen allele CA350024.
Genomic context (GRCh38, chr4:168,877,932, plus strand): 5'-CGCCCGCGTCCCCGGAGCCCATGAGCGCGCTGGCCTCCCGCTCCGCCCCCGCCATGCAGT[C>T]CTCCGGCTCCTTCAACTACGCGCGCCCCAAGCAGTTCATCGCCGCGCAGAACCTCGGGCC-3'